The following is an entry in ClinVar:

ClinVar aggregate classification (germline): Uncertain significance. Review status: criteria provided, multiple submitters, no conflicts (2 of 4 stars). 2 submissions from 2 submitters: Uncertain significance (2). Last evaluated 2025-05-06.

Conditions:
Inborn genetic diseases. Identifiers: MedGen C0950123, MeSH D030342.
Hereditary spastic paraplegia 75. Also called: Spastic paraplegia 75, autosomal recessive. Identifiers: Orphanet 459056, MedGen C4225250, MONDO:0014729, OMIM 616680.

Allele frequency attached by ClinVar (database versions not stated): ExAC 0.00001.
gnomAD v4.1: 10 of 1,614,010 alleles (0.00062%); highest among the groups gnomAD compares: Admixed American, 0.0067%; no homozygotes.

Submissions (2):

Ambry Genetics
Classification: Uncertain significance for Inborn genetic diseases. Last evaluated: 2025-05-06. Review status: criteria provided, single submitter. Criteria: Ambry Variant Classification Scheme 2023. Collection method: clinical testing. Allele origin: germline.

Labcorp Genetics (formerly Invitae), Labcorp
Classification: Uncertain significance for Hereditary spastic paraplegia 75. Last evaluated: 2022-10-18. Review status: criteria provided, single submitter. Criteria: Invitae Variant Classification Sherloc (09022015). Collection method: clinical testing. Allele origin: germline.
Comment: This sequence change replaces asparagine, which is neutral and polar, with lysine, which is basic and polar, at codon 106 of the MAG protein (p.Asn106Lys). This variant is present in population databases (rs757890653, gnomAD 0.01%). This variant has not been reported in the literature in individuals affected with MAG-related conditions. Advanced modeling of protein sequence and biophysical properties (such as structural, functional, and spatial information, amino acid conservation, physicochemical variation, residue mobility, and thermodynamic stability) performed at Invitae indicates that this missense variant is not expected to disrupt MAG protein function. In summary, the available evidence is currently insufficient to determine the role of this variant in disease. Therefore, it has been classified as a Variant of Uncertain Significance.

NM_002361.4(MAG):c.318C>A (p.Asn106Lys)

Gene: MAG (myelin associated glycoprotein; plus strand). Cytogenetic location: 19q13.12.
Variant type: single nucleotide variant.
Coding change: c.318C>A on transcript NM_002361.4 (MANE Select); coding-DNA position 318, C replaced by A.
Protein change: p.Asn106Lys; replaces asparagine 106 with lysine.
Molecular consequence: missense variant.
Genome position (GRCh38, 1-based): chr19:35,295,884, C>A. VCF-style: chr19-35295884-C-A. GRCh37 (hg19) VCF-style: chr19-35786787-C-A.
Other names: c.318C>A (NM_002361.3); c.243C>A, p.Asn81Lys (NM_001199216.2); c.318C>A, p.Asn106Lys (NM_080600.3); short protein forms N106K, N81K.
Identifiers: ClinVar variation 2074014 (VCV002074014.5), dbSNP rs757890653, ClinGen allele CA9375974.